The following is an entry in ClinVar:

ClinVar aggregate classification (germline): Pathogenic (1 of 4 stars; one submission).

Conditions:
Hereditary breast ovarian cancer syndrome. Also called: Hereditary breast and/or ovarian cancer syndrome; Hereditary breast and ovarian cancer syndrome; Breast and ovarian cancer; Hereditary breast and ovarian cancer syndrome (HBOC); BRCA1- and BRCA2-Associated Hereditary Breast and Ovarian Cancer; Hereditary breast and ovarian cancer. Identifiers: Orphanet 145, MedGen C0677776, MeSH D061325, MONDO:0003582. Disease mechanism: loss of function.

Submission:

Labcorp Genetics (formerly Invitae), Labcorp
Classification: Pathogenic for Hereditary breast ovarian cancer syndrome. Last evaluated: 2025-08-22. Review status: criteria provided, single submitter. Criteria: Invitae Variant Classification Sherloc (09022015). Collection method: clinical testing. Allele origin: germline.
Comment: This sequence change creates a premature translational stop signal (p.Asp2438*) in the BRCA2 gene. It is expected to result in an absent or disrupted protein product. Loss-of-function variants in BRCA2 are known to be pathogenic (PMID: 20104584). This variant is not present in population databases (gnomAD no frequency). This variant has not been reported in the literature in individuals affected with BRCA2-related conditions. For these reasons, this variant has been classified as Pathogenic.

Literature cited by the submitters: PubMed 20104584.

NM_000059.4(BRCA2):c.7311dup (p.Asp2438Ter)

Gene: BRCA2 (BRCA2 DNA repair associated; plus strand). Cytogenetic location: 13q13.1.
Variant type: Duplication.
Coding change: c.7311dup on transcript NM_000059.4 (MANE Select); coding-DNA position 7311, one base duplicated (T; older notation c.7311dupT).
Protein change: p.Asp2438Ter; replaces aspartic acid 2438 with a stop codon.
Molecular consequence: nonsense. On other transcripts: non-coding transcript variant (1).
Genome position (GRCh38, 1-based): chr13:32,355,164, T duplicated; the last of 2 consecutive T bases (chr13:32,355,163-32,355,164); duplicating either gives the same sequence. VCF-style (leftmost placement, unchanged base first): chr13-32355162-A-AT. GRCh37 (hg19) VCF-style: chr13-32929299-A-AT.
Other names: c.7215dup, p.Asp2406Ter (NM_001406719.1); c.7311dup, p.Asp2438Ter (NM_001406720.1, NM_001432077.1); c.2379dup, p.Asp794Ter (NM_001406721.1); c.894dup, p.Asp299Ter (NM_001406722.1); short protein forms D2406*, D794*, D2438*, D299*.
Identifiers: ClinVar variation 4725750 (VCV004725750.1).